The following is an entry in ClinVar:

NM_005751.5(AKAP9):c.10868A>G (p.Tyr3623Cys)

Gene: AKAP9 (A-kinase anchoring protein 9; plus strand). Cytogenetic location: 7q21.2.
Variant type: single nucleotide variant.
Coding change: c.10868A>G on transcript NM_005751.5 (MANE Select); coding-DNA position 10868, A replaced by G.
Protein change: p.Tyr3623Cys; replaces tyrosine 3623 with cysteine.
Molecular consequence: missense variant.
Genome position (GRCh38, 1-based): chr7:92,099,841, A>G. VCF-style: chr7-92099841-A-G. GRCh37 (hg19) VCF-style: chr7-91729155-A-G.
Other names: c.5513A>G, p.Tyr1838Cys (NM_001379277.1); c.10844A>G, p.Tyr3615Cys (NM_147185.3); short protein forms Y3623C, Y1838C, Y3615C.
Identifiers: ClinVar variation 2072429 (VCV002072429.4), dbSNP rs2535308986, ClinGen allele CA368158983.

ClinVar aggregate classification (germline): Uncertain significance (1 of 4 stars; one submission).

Conditions:
Long QT syndrome (LQTS). Identifiers: MedGen C0023976, MeSH D008133, MONDO:0002442. Disease mechanism: loss of function. Inheritance: Various modes of inheritance.

Submission:

Labcorp Genetics (formerly Invitae), Labcorp
Classification: Uncertain significance for Long QT syndrome. Last evaluated: 2022-09-24. Review status: criteria provided, single submitter. Criteria: Invitae Variant Classification Sherloc (09022015). Collection method: clinical testing. Allele origin: germline.
Comment: Algorithms developed to predict the effect of missense changes on protein structure and function are either unavailable or do not agree on the potential impact of this missense change (SIFT: "Deleterious"; PolyPhen-2: "Benign"; Align-GVGD: "Class C25"). In summary, the available evidence is currently insufficient to determine the role of this variant in disease. Therefore, it has been classified as a Variant of Uncertain Significance. This sequence change replaces tyrosine, which is neutral and polar, with cysteine, which is neutral and slightly polar, at codon 3623 of the AKAP9 protein (p.Tyr3623Cys). This variant is not present in population databases (gnomAD no frequency). This variant has not been reported in the literature in individuals affected with AKAP9-related conditions.